The following is an entry in ClinVar:

NM_018238.4(AGK):c.1047-2A>T

Gene: AGK (acylglycerol kinase; plus strand). Cytogenetic location: 7q34.
Variant type: single nucleotide variant.
Coding change: c.1047-2A>T on transcript NM_018238.4 (MANE Select); the canonical splice acceptor site of the intron before coding-DNA position 1047, A replaced by T.
Molecular consequence: splice acceptor variant.
Genome position (GRCh38, 1-based): chr7:141,651,523, A>T. VCF-style: chr7-141651523-A-T. GRCh37 (hg19) VCF-style: chr7-141351323-A-T.
Identifiers: ClinVar variation 280255 (VCV000280255.5), dbSNP rs886041491, ClinGen allele CA10603035.

ClinVar aggregate classification (germline): Pathogenic/Likely pathogenic. Review status: criteria provided, multiple submitters, no conflicts (2 of 4 stars). 2 submissions from 2 submitters: Pathogenic (1); Likely pathogenic (1). Last evaluated 2023-07-10.

Conditions:
Sengers syndrome. Also called: MITOCHONDRIAL DNA DEPLETION SYNDROME 10 (CARDIOMYOPATHIC TYPE); Cardiomyopathy and cataract. Identifiers: Orphanet 1369, MedGen C1859317, MONDO:0008922, OMIM 212350.
Cataract 38. Also called: Cataract 38, autosomal recessive; Cataract, autosomal recessive congenital 5. Identifiers: Orphanet 91492, MedGen C3553494, MONDO:0013859, OMIM 614691.

Allele frequency attached by ClinVar (database versions not stated): gnomAD exomes below 0.00001.
gnomAD v4.1: 2 of 1,614,216 alleles (0.00012%); highest among the groups gnomAD compares: Admixed American, 0.0033%; no homozygotes.

Submissions (2):

Labcorp Genetics (formerly Invitae), Labcorp
Classification: Likely pathogenic for Sengers syndrome; Cataract 38. Last evaluated: 2023-07-10. Review status: criteria provided, single submitter. Criteria: Invitae Variant Classification Sherloc (09022015). Collection method: clinical testing. Allele origin: germline.
Comment: In summary, the currently available evidence indicates that the variant is pathogenic, but additional data are needed to prove that conclusively. Therefore, this variant has been classified as Likely Pathogenic. Algorithms developed to predict the effect of sequence changes on RNA splicing suggest that this variant may disrupt the consensus splice site. ClinVar contains an entry for this variant (Variation ID: 280255). This variant has not been reported in the literature in individuals affected with AGK-related conditions. This variant is present in population databases (no rsID available, gnomAD 0.003%). This sequence change affects an acceptor splice site in intron 14 of the AGK gene. It is expected to disrupt RNA splicing. Variants that disrupt the donor or acceptor splice site typically lead to a loss of protein function (PMID: 16199547), and loss-of-function variants in AGK are known to be pathogenic (PMID: 22284826).

GeneDx
Classification: Pathogenic. Last evaluated: 2018-10-11. Review status: criteria provided, single submitter. Criteria: GeneDx Variant Classification (06012015). Collection method: clinical testing. Allele origin: germline. Affected: yes.
Comment: The c.1047-2A>T variant in the AGK gene has not been reported previously as a pathogenic variant nor as a benign variant, to our knowledge. This splice site variant destroys the canonical splice acceptor site in intron 14. It is predicted to cause abnormal gene splicing, either leading to an abnormal message that is subject to nonsense-mediated mRNA decay, or to an abnormal protein product if the message is used for protein translation. The c.1047-2A>T variant is not observed at a significant frequency in large population cohorts (Lek et al., 2016). We interpret c.1047-2A>T as a pathogenic variant.

Literature cited by the submitters: PubMed 16199547 (cited by Labcorp Genetics (formerly Invitae), Labcorp); PubMed 22284826 (cited by Labcorp Genetics (formerly Invitae), Labcorp).